The following is an entry in ClinVar:

ClinVar aggregate classification (germline): Uncertain significance (1 of 4 stars; one submission).

gnomAD v4.1: 16 of 1,613,832 alleles (0.00099%); highest among the groups gnomAD compares: Non-Finnish European, 0.0012%; no homozygotes.

Submission:

Labcorp Genetics (formerly Invitae), Labcorp
Classification: Uncertain significance. Last evaluated: 2025-10-15. Review status: criteria provided, single submitter. Criteria: Invitae Variant Classification Sherloc (09022015). Collection method: clinical testing. Allele origin: germline.
Comment: This sequence change replaces serine, which is neutral and polar, with asparagine, which is neutral and polar, at codon 2175 of the MYO18B protein (p.Ser2175Asn). This variant is present in population databases (no rsID available, gnomAD 0.0009%). This variant has not been reported in the literature in individuals affected with MYO18B-related conditions. An algorithm developed to predict the effect of missense changes on protein structure and function outputs the following: PolyPhen-2: "Benign". The asparagine amino acid residue is found in multiple mammalian species, which suggests that this missense change does not adversely affect protein function. In summary, the available evidence is currently insufficient to determine the role of this variant in disease. Therefore, it has been classified as a Variant of Uncertain Significance.

NM_032608.7(MYO18B):c.6524G>A (p.Ser2175Asn)

Gene: MYO18B (myosin XVIIIB; plus strand). Cytogenetic location: 22q12.1.
Variant type: single nucleotide variant.
Coding change: c.6524G>A on transcript NM_032608.7 (MANE Select); coding-DNA position 6524, G replaced by A.
Protein change: p.Ser2175Asn; replaces serine 2175 with asparagine.
Molecular consequence: missense variant.
Genome position (GRCh38, 1-based): chr22:26,026,498, G>A. VCF-style: chr22-26026498-G-A. GRCh37 (hg19) VCF-style: chr22-26422464-G-A.
Other names: c.6527G>A, p.Ser2176Asn (NM_001318245.2); short protein forms S2175N, S2176N.
Identifiers: ClinVar variation 4782051 (VCV004782051.1).